The following is an entry in ClinVar:

NM_001040108.2(MLH3):c.235C>G (p.His79Asp)

Gene: MLH3 (mutL homolog 3; minus strand). Cytogenetic location: 14q24.3.
Variant type: single nucleotide variant.
Coding change: c.235C>G on transcript NM_001040108.2 (MANE Select); coding-DNA position 235, C replaced by G.
Protein change: p.His79Asp; replaces histidine 79 with aspartic acid.
Molecular consequence: missense variant.
Genome position (GRCh38, 1-based): chr14:75,049,421, G>C on the plus strand (C>G on the coding strand, the complement: MLH3 is on the minus strand). VCF-style: chr14-75049421-G-C. GRCh37 (hg19) VCF-style: chr14-75516124-G-C.
Other names: c.235C>G, p.His79Asp (NM_014381.3); short protein forms H79D.
Identifiers: ClinVar variation 2563540 (VCV002563540.2), dbSNP rs754850331, ClinGen allele CA390451282.

ClinVar aggregate classification (germline): Uncertain significance (1 of 4 stars; one submission).

gnomAD v4.1: 1 of 1,614,026 alleles (0.000062%); highest among the groups gnomAD compares: South Asian, 0.0011%; no homozygotes.

Submission:

Ambry Genetics
Classification: Uncertain significance. Last evaluated: 2023-04-18. Review status: criteria provided, single submitter. Criteria: Ambry Variant Classification Scheme 2023. Collection method: clinical testing. Allele origin: germline.
Comment: The p.H79D variant (also known as c.235C>G), located in coding exon 1 of the MLH3 gene, results from a C to G substitution at nucleotide position 235. The histidine at codon 79 is replaced by aspartic acid, an amino acid with similar properties. This amino acid position is conserved. In addition, this alteration is predicted to be tolerated by in silico analysis. Since supporting evidence is limited at this time, the clinical significance of this alteration remains unclear.